The following is an entry in ClinVar:

ClinVar aggregate classification (germline): Uncertain significance (1 of 4 stars; one submission).

Allele frequency attached by ClinVar (database versions not stated): gnomAD exomes below 0.00001.
gnomAD v4.1: 3 of 1,614,114 alleles (0.00019%); highest among the groups gnomAD compares: African/African-American, 0.0027%; no homozygotes.

Submission:

Labcorp Genetics (formerly Invitae), Labcorp
Classification: Uncertain significance. Last evaluated: 2025-08-14. Review status: criteria provided, single submitter. Criteria: Invitae Variant Classification Sherloc (09022015). Collection method: clinical testing. Allele origin: germline.
Comment: This sequence change replaces lysine, which is basic and polar, with arginine, which is basic and polar, at codon 1357 of the POLR1A protein (p.Lys1357Arg). This variant is not present in population databases (gnomAD no frequency). This variant has not been reported in the literature in individuals affected with POLR1A-related conditions. ClinVar contains an entry for this variant (Variation ID: 2100981). Invitae Evidence Modeling of protein sequence and biophysical properties (such as structural, functional, and spatial information, amino acid conservation, physicochemical variation, residue mobility, and thermodynamic stability) indicates that this missense variant is not expected to disrupt POLR1A protein function with a negative predictive value of 80%. In summary, the available evidence is currently insufficient to determine the role of this variant in disease. Therefore, it has been classified as a Variant of Uncertain Significance.

NM_015425.6(POLR1A):c.4070A>G (p.Lys1357Arg)

Gene: POLR1A (RNA polymerase I subunit A; minus strand). Cytogenetic location: 2p11.2.
Variant type: single nucleotide variant.
Coding change: c.4070A>G on transcript NM_015425.6 (MANE Select); coding-DNA position 4070, A replaced by G.
Protein change: p.Lys1357Arg; replaces lysine 1357 with arginine.
Molecular consequence: missense variant.
Genome position (GRCh38, 1-based): chr2:86,033,752, T>C on the plus strand (A>G on the coding strand, the complement: POLR1A is on the minus strand). VCF-style: chr2-86033752-T-C. GRCh37 (hg19) VCF-style: chr2-86260875-T-C.
Other names: short protein forms K1357R.
Identifiers: ClinVar variation 2100981 (VCV002100981.4), dbSNP rs2466316892, ClinGen allele CA347549024.